The following is an entry in ClinVar:

ClinVar aggregate classification (germline): Uncertain significance (1 of 4 stars; one submission).

Allele frequency attached by ClinVar (database versions not stated): gnomAD exomes below 0.00001.
gnomAD v4.1: 1 of 1,613,818 alleles (0.000062%); no homozygotes.

Submission:

Labcorp Genetics (formerly Invitae), Labcorp
Classification: Uncertain significance. Last evaluated: 2022-08-22. Review status: criteria provided, single submitter. Criteria: Invitae Variant Classification Sherloc (09022015). Collection method: clinical testing. Allele origin: germline.
Comment: This sequence change replaces methionine, which is neutral and non-polar, with isoleucine, which is neutral and non-polar, at codon 224 of the TBX20 protein (p.Met224Ile). In summary, the available evidence is currently insufficient to determine the role of this variant in disease. Therefore, it has been classified as a Variant of Uncertain Significance. Algorithms developed to predict the effect of missense changes on protein structure and function are either unavailable or do not agree on the potential impact of this missense change (SIFT: "Deleterious"; PolyPhen-2: "Probably Damaging"; Align-GVGD: "Class C0"). This variant has not been reported in the literature in individuals affected with TBX20-related conditions. This variant is present in population databases (no rsID available, gnomAD 0.004%).

NM_001077653.2(TBX20):c.672G>T (p.Met224Ile)

Gene: TBX20 (T-box transcription factor 20; minus strand). Cytogenetic location: 7p14.2.
Variant type: single nucleotide variant.
Coding change: c.672G>T on transcript NM_001077653.2 (MANE Select); coding-DNA position 672, G replaced by T.
Protein change: p.Met224Ile; replaces methionine 224 with isoleucine.
Molecular consequence: missense variant.
Genome position (GRCh38, 1-based): chr7:35,241,020, C>A on the plus strand (G>T on the coding strand, the complement: TBX20 is on the minus strand). VCF-style: chr7-35241020-C-A. GRCh37 (hg19) VCF-style: chr7-35280632-C-A.
Other names: c.672G>T, p.Met224Ile (NM_001166220.1); short protein forms M224I.
Identifiers: ClinVar variation 2026043 (VCV002026043.4), dbSNP rs1395682032, ClinGen allele CA367264201.
Genomic context (GRCh38, chr7:35,241,020, plus strand): 5'-GAGCAATGAGGCTGTGTGGTCTTTCTTCTTAATGATGTGCACCCTTGGCTGGTACTTATG[C>A]ATTGAGTTCAAAATTATCTACAACAAAAAGATGGGAAGTACTGAATTTTACATACTTATA-3'
Protein context (NP_001071121.1, residues 214-234): DQHGHIILNS[Met224Ile]HKYQPRVHII